The following is an entry in ClinVar:

NM_000051.4(ATM):c.3154-1G>A

Gene: ATM (ATM serine/threonine kinase; plus strand). Cytogenetic location: 11q22.3.
Variant type: single nucleotide variant.
Coding change: c.3154-1G>A on transcript NM_000051.4 (MANE Select); the canonical splice acceptor site of the intron before coding-DNA position 3154, G replaced by A.
Molecular consequence: splice acceptor variant.
Genome position (GRCh38, 1-based): chr11:108,272,721, G>A. VCF-style: chr11-108272721-G-A. GRCh37 (hg19) VCF-style: chr11-108143448-G-A.
Other names: c.3154-1G>A (NM_001351834.2).
Identifiers: ClinVar variation 556462 (VCV000556462.11), dbSNP rs1555085973, ClinGen allele CA382515471.

ClinVar aggregate classification (germline): Pathogenic/Likely pathogenic. Review status: criteria provided, multiple submitters, no conflicts (2 of 4 stars). 5 submissions from 5 submitters: Pathogenic (1); Likely pathogenic (2). 2 of the submissions do not count toward it. Last evaluated 2025-08-18.

Conditions:
Hereditary cancer-predisposing syndrome. Also called: Hereditary Cancer Syndrome; Neoplastic Syndromes, Hereditary; Tumor predisposition; Hereditary neoplastic syndrome. Identifiers: Orphanet 140162, MedGen C0027672, MeSH D009386, MONDO:0015356.
Familial cancer of breast. Also called: BREAST CANCER, FAMILIAL; Hereditary breast cancer; hereditary breast carcinoma. Identifiers: Orphanet 227535, MedGen C0346153, MONDO:0016419, OMIM 114480. Disease mechanism: loss of function.
Ataxia-telangiectasia syndrome (AT). Also called: Cerebello-oculocutaneous telangiectasia; Immunodeficiency with ataxia telangiectasia; Ataxia-telangiectasia, complementation group E; Ataxia-telangiectasia, complementation group D; AT, COMPLEMENTATION GROUP C; ATAXIA-TELANGIECTASIA, COMPLEMENTATION GROUP A. Identifiers: Orphanet 100, MedGen C0004135, MONDO:0008840, OMIM 208900.

Submissions (5):

Labcorp Genetics (formerly Invitae), Labcorp
Classification: Pathogenic for Ataxia-telangiectasia syndrome. Last evaluated: 2025-08-18. Review status: criteria provided, single submitter. Criteria: Invitae Variant Classification Sherloc (09022015). Collection method: clinical testing. Allele origin: germline.
Comment: This sequence change affects an acceptor splice site in intron 21 of the ATM gene. It is expected to disrupt RNA splicing. Variants that disrupt the donor or acceptor splice site typically lead to a loss of protein function (PMID: 16199547), and loss-of-function variants in ATM are known to be pathogenic (PMID: 23807571, 25614872). This variant is not present in population databases (gnomAD no frequency). Disruption of this splice site has been observed in individual(s) with clinical features of ataxia telangiectasia (PMID: 10980530, 16864838). In at least one individual the data is consistent with being in trans (on the opposite chromosome) from a pathogenic variant. This variant is also known as IVS21-1G>A. ClinVar contains an entry for this variant (Variation ID: 556462). Studies have shown that disruption of this splice site is associated with altered splicing resulting in multiple RNA products (PMID: 31843900). For these reasons, this variant has been classified as Pathogenic.

Ambry Genetics
Classification: Likely pathogenic for Hereditary cancer-predisposing syndrome. Last evaluated: 2025-08-01. Review status: criteria provided, single submitter. Criteria: Ambry Variant Classification Scheme 2023. Collection method: clinical testing. Allele origin: germline.
Comment: The c.3154-1G>A intronic variant results from a G to A substitution one nucleotide before coding exon 21 of the ATM gene. This variant is considered to be rare based on population cohorts in the Genome Aggregation Database (gnomAD). This nucleotide position is highly conserved in available vertebrate species. In silico splice site analysis predicts that this alteration will weaken the native splice acceptor site and may result in the creation or strengthening of a novel splice acceptor site. Alterations that disrupt the canonical splice site are expected to cause aberrant splicing, resulting in an abnormal protein or a transcript that is subject to nonsense-mediated mRNA decay. As such, this alteration is classified as likely pathogenic.

Myriad Genetics, Inc.
Classification: Likely pathogenic for Familial cancer of breast. Last evaluated: 2024-01-18. Review status: criteria provided, single submitter. Criteria: Myriad Autosomal Dominant, Autosomal Recessive and X-Linked Classification Criteria (2023). Collection method: clinical testing. Allele origin: unknown.
Comment: This variant is considered likely pathogenic. This variant occurs within a consensus splice junction and is predicted to result in abnormal mRNA splicing of either an out-of-frame exon or an in-frame exon necessary for protein stability and/or normal function.

King Laboratory, University of Washington
Classification: Pathogenic for Familial cancer of breast. Last evaluated: 2019-09-01. Review status: no assertion criteria provided. Collection method: research. Allele origin: germline. Affected: yes. Not counted in ClinVar's aggregate classification.
Comment: Transcript analysis by cBROCA

Counsyl
Classification: Likely pathogenic for Ataxia-telangiectasia syndrome. Last evaluated: 2018-02-06. Review status: no assertion criteria provided. Collection method: clinical testing. Allele origin: unknown. Not counted in ClinVar's aggregate classification.

Literature cited by the submitters: PubMed 16199547 (cited by Labcorp Genetics (formerly Invitae), Labcorp); PubMed 23807571 (cited by Labcorp Genetics (formerly Invitae), Labcorp); PubMed 25614872 (cited by Labcorp Genetics (formerly Invitae), Labcorp); PubMed 10980530 (cited by Labcorp Genetics (formerly Invitae), Labcorp); PubMed 16864838 (cited by Labcorp Genetics (formerly Invitae), Labcorp and Counsyl); PubMed 31843900 (cited by Labcorp Genetics (formerly Invitae), Labcorp and King Laboratory, University of Washington).